The following is an entry in ClinVar:

ClinVar aggregate classification (germline): Uncertain significance (1 of 4 stars; one submission).

Submission:

Labcorp Genetics (formerly Invitae), Labcorp
Classification: Uncertain significance. Last evaluated: 2025-12-23. Review status: criteria provided, single submitter. Criteria: Invitae Variant Classification Sherloc (09022015). Collection method: clinical testing. Allele origin: germline.
Comment: This sequence change replaces leucine, which is neutral and non-polar, with valine, which is neutral and non-polar, at codon 224 of the TTBK2 protein (p.Leu224Val). This variant is not present in population databases (gnomAD no frequency). This variant has not been reported in the literature in individuals affected with TTBK2-related conditions. Invitae Evidence Modeling of protein sequence and biophysical properties (such as structural, functional, and spatial information, amino acid conservation, physicochemical variation, residue mobility, and thermodynamic stability) indicates that this missense variant is expected to disrupt TTBK2 protein function with a positive predictive value of 80%. In summary, the available evidence is currently insufficient to determine the role of this variant in disease. Therefore, it has been classified as a Variant of Uncertain Significance.

NM_173500.4(TTBK2):c.670C>G (p.Leu224Val)

Gene: TTBK2 (tau tubulin kinase 2; minus strand). Cytogenetic location: 15q15.2.
Variant type: single nucleotide variant.
Coding change: c.670C>G on transcript NM_173500.4 (MANE Select); coding-DNA position 670, C replaced by G.
Protein change: p.Leu224Val; replaces leucine 224 with valine.
Molecular consequence: missense variant.
Genome position (GRCh38, 1-based): chr15:42,811,714, G>C on the plus strand (C>G on the coding strand, the complement: TTBK2 is on the minus strand). VCF-style: chr15-42811714-G-C. GRCh37 (hg19) VCF-style: chr15-43103912-G-C.
Other names: short protein forms L224V.
Identifiers: ClinVar variation 4697457 (VCV004697457.1).
Genomic context (GRCh38, chr15:42,811,714, plus strand): 5'-CTACCACAATTGACATCTCCATTCCCAAAATTACCTTGTCCTTTATTTTTCTCCAGGGCA[G>C]CTGACCAACCACAAACTCCACCAACATGTAGAATAAGGACCAAAGGTCATCATGTCTTCC-3'
Protein context (NP_775771.3, residues 214-234): YMLVEFVVGQ[Leu224Val]PWRKIKDKEQ